The following is an entry in ClinVar:

ClinVar aggregate classification (germline): Uncertain significance (1 of 4 stars; one submission).

Conditions:
Cardiovascular phenotype. Identifiers: MedGen CN230736.

Submission:

Ambry Genetics
Classification: Uncertain significance for Cardiovascular phenotype. Last evaluated: 2021-06-16. Review status: criteria provided, single submitter. Criteria: Ambry Variant Classification Scheme 2023. Collection method: clinical testing. Allele origin: germline.
Comment: The p.K1526T variant (also known as c.4577A>C), located in coding exon 17 of the AKAP9 gene, results from an A to C substitution at nucleotide position 4577. The lysine at codon 1526 is replaced by threonine, an amino acid with similar properties. This amino acid position is not well conserved in available vertebrate species. In addition, this alteration is predicted to be tolerated by in silico analysis. Since supporting evidence is limited at this time, the clinical significance of this alteration remains unclear.

NM_005751.5(AKAP9):c.4577A>C (p.Lys1526Thr)

Gene: AKAP9 (A-kinase anchoring protein 9; plus strand). Cytogenetic location: 7q21.2.
Variant type: single nucleotide variant.
Coding change: c.4577A>C on transcript NM_005751.5 (MANE Select); coding-DNA position 4577, A replaced by C.
Protein change: p.Lys1526Thr; replaces lysine 1526 with threonine.
Molecular consequence: missense variant.
Genome position (GRCh38, 1-based): chr7:92,038,657, A>C. VCF-style: chr7-92038657-A-C. GRCh37 (hg19) VCF-style: chr7-91667971-A-C.
Other names: c.4577A>C, p.Lys1526Thr (NM_147185.3); short protein forms K1526T.
Identifiers: ClinVar variation 1741597 (VCV001741597.2), dbSNP rs1383050508, ClinGen allele CA368129079.